The following is an entry in ClinVar:

NM_022765.4(MICAL1):c.2538G>C (p.Glu846Asp)

Gene: MICAL1 (microtubule associated monooxygenase, calponin and LIM domain containing 1; minus strand). Cytogenetic location: 6q21.
Variant type: single nucleotide variant.
Coding change: c.2538G>C on transcript NM_022765.4 (MANE Select); coding-DNA position 2538, G replaced by C.
Protein change: p.Glu846Asp; replaces glutamic acid 846 with aspartic acid.
Molecular consequence: missense variant.
Genome position (GRCh38, 1-based): chr6:109,446,179, C>G on the plus strand (G>C on the coding strand, the complement: MICAL1 is on the minus strand). VCF-style: chr6-109446179-C-G. GRCh37 (hg19) VCF-style: chr6-109767382-C-G.
Other names: c.2280G>C, p.Glu760Asp (NM_001159291.2); c.2595G>C, p.Glu865Asp (NM_001286613.2); short protein forms E846D, E865D, E760D.
Identifiers: ClinVar variation 2888090 (VCV002888090.3), dbSNP rs528728578, ClinGen allele CA3952863.

ClinVar aggregate classification (germline): Uncertain significance (1 of 4 stars; one submission).

Allele frequency attached by ClinVar (database versions not stated): TOPMed 0.00001; gnomAD 0.00002; gnomAD exomes 0.00003; ExAC 0.00005; 1000 Genomes Project 0.00020; 1000 Genomes Project 30x 0.00031.
gnomAD v4.1: 45 of 1,583,560 alleles (0.0028%); highest among the groups gnomAD compares: Non-Finnish European, 0.0037%; no homozygotes.

Submission:

Labcorp Genetics (formerly Invitae), Labcorp
Classification: Uncertain significance. Last evaluated: 2024-10-06. Review status: criteria provided, single submitter. Criteria: Invitae Variant Classification Sherloc (09022015). Collection method: clinical testing. Allele origin: germline.
Comment: This sequence change replaces glutamic acid, which is acidic and polar, with aspartic acid, which is acidic and polar, at codon 865 of the MICAL1 protein (p.Glu865Asp). This variant is present in population databases (rs528728578, gnomAD 0.007%). This variant has not been reported in the literature in individuals affected with MICAL1-related conditions. An algorithm developed to predict the effect of missense changes on protein structure and function (PolyPhen-2) suggests that this variant is likely to be disruptive. In summary, the available evidence is currently insufficient to determine the role of this variant in disease. Therefore, it has been classified as a Variant of Uncertain Significance.